The following is an entry in ClinVar:

NM_001378454.1(ALMS1):c.786_788dup (p.Glu262_Asp263insGlu)

Gene: ALMS1 (ALMS1 centrosome and basal body associated protein; plus strand). Cytogenetic location: 2p13.1.
Variant type: Duplication.
Coding change: c.786_788dup on transcript NM_001378454.1 (MANE Select); coding-DNA positions 786 to 788, 3 bases duplicated (AGA; older notation c.786_788dupAGA).
Protein change: p.Glu262_Asp263insGlu.
Molecular consequence: inframe insertion.
Genome position (GRCh38, 1-based): chr2:73,424,451-73,424,453, AGA duplicated; duplicating any 3 consecutive bases within chr2:73,424,449-73,424,453 gives the same sequence; the c. name uses the placement nearest the transcript's 3' end. VCF-style (leftmost placement, unchanged base first): chr2-73424448-T-TGAA. GRCh37 (hg19) VCF-style: chr2-73651576-T-TGAA.
Other names: c.789_791dup, p.Glu263_Asp264insGlu (NM_015120.4); c.789_791dupAGA (NM_015120.4).
Identifiers: ClinVar variation 2035375 (VCV002035375.4), dbSNP rs1334840291, ClinGen allele CA534125646.

ClinVar aggregate classification (germline): Uncertain significance. Review status: criteria provided, multiple submitters, no conflicts (2 of 4 stars). 2 submissions from 2 submitters: Uncertain significance (2). Last evaluated 2023-02-07.

Conditions:
Alstrom syndrome (ALMS). Identifiers: Orphanet 64, MedGen C0268425, MONDO:0008763, OMIM 203800.
Cardiovascular phenotype. Identifiers: MedGen CN230736.

Submissions (2):

Ambry Genetics
Classification: Uncertain significance for Cardiovascular phenotype. Last evaluated: 2023-02-07. Review status: criteria provided, single submitter. Criteria: Ambry Variant Classification Scheme 2023. Collection method: clinical testing. Allele origin: germline.
Comment: The c.789_791dupAGA variant (also known as p.E263dup), located in coding exon 5 of the ALMS1 gene, results from an in-frame duplication of AGA at nucleotide positions 789 to 791. This results in the duplication of an extra residue between codons 263 and 264. This amino acid position is highly conserved in available vertebrate species. In addition, the in silico prediction for this alteration is inconclusive (Choi Y et al. PLoS ONE. 2012; 7(10):e46688). Since supporting evidence is limited at this time, the clinical significance of this alteration remains unclear.

Labcorp Genetics (formerly Invitae), Labcorp
Classification: Uncertain significance for Alstrom syndrome. Last evaluated: 2022-02-18. Review status: criteria provided, single submitter. Criteria: Invitae Variant Classification Sherloc (09022015). Collection method: clinical testing. Allele origin: germline.
Comment: In summary, the available evidence is currently insufficient to determine the role of this variant in disease. Therefore, it has been classified as a Variant of Uncertain Significance. Experimental studies and prediction algorithms are not available or were not evaluated, and the functional significance of this variant is currently unknown. This variant has not been reported in the literature in individuals affected with ALMS1-related conditions. The frequency data for this variant in the population databases is considered unreliable, as metrics indicate poor data quality at this position in the gnomAD database. This variant, c.789_791dup, results in the insertion of 1 amino acid(s) of the ALMS1 protein (p.Glu263dup), but otherwise preserves the integrity of the reading frame.